The following is an entry in ClinVar:

NM_017780.4(CHD7):c.6401del (p.Asn2134fs)

Gene: CHD7 (chromodomain helicase DNA binding protein 7; plus strand). Cytogenetic location: 8q12.2.
Variant type: Deletion.
Coding change: c.6401del on transcript NM_017780.4 (MANE Select); coding-DNA position 6401, one base deleted (A; older notation c.6401delA).
Protein change: p.Asn2134fs; shifts the reading frame from asparagine 2134.
Molecular consequence: frameshift variant. On other transcripts: intron variant (1).
Genome position (GRCh38, 1-based): chr8:60,853,126, A deleted; the last of 4 consecutive A bases (chr8:60,853,123-60,853,126); deleting any one gives the same sequence. VCF-style (leftmost placement, unchanged base first): chr8-60853122-CA-C. GRCh37 (hg19) VCF-style: chr8-61765681-CA-C.
Other names: c.1717-9103del (NM_001316690.1); short protein forms N2134fs.
Identifiers: ClinVar variation 659630 (VCV000659630.8), dbSNP rs1586446101, ClinGen allele CA915945720.

ClinVar aggregate classification (germline): Pathogenic (1 of 4 stars; one submission).

Conditions:
CHARGE syndrome (CHARGE). Also called: Coloboma, heart anomaly, choanal atresia, retardation, genital and ear anomalies; CHARGE association; Hall-Hittner syndrome; Hittner Hirsch Kreh syndrome; CHARGE ASSOCIATION--COLOBOMA, HEART ANOMALY, CHOANAL ATRESIA, RETARDATION, GENITAL AND EAR ANOMALIES. Identifiers: Orphanet 138, MedGen C0265354, MONDO:0008965.

Submission:

Labcorp Genetics (formerly Invitae), Labcorp
Classification: Pathogenic for CHARGE syndrome. Last evaluated: 2022-06-04. Review status: criteria provided, single submitter. Criteria: Invitae Variant Classification Sherloc (09022015). Collection method: clinical testing. Allele origin: germline.
Comment: This sequence change creates a premature translational stop signal (p.Asn2134Thrfs*10) in the CHD7 gene. It is expected to result in an absent or disrupted protein product. Loss-of-function variants in CHD7 are known to be pathogenic (PMID: 22461308, 25077900). This variant is not present in population databases (gnomAD no frequency). This variant has not been reported in the literature in individuals affected with CHD7-related conditions. ClinVar contains an entry for this variant (Variation ID: 659630). For these reasons, this variant has been classified as Pathogenic.

Literature cited by the submitters: PubMed 22461308; PubMed 25077900.